The following is an entry in ClinVar:

NM_147127.5(EVC2):c.3919A>C (p.Met1307Leu)

Gene: EVC2 (EvC ciliary complex subunit 2; minus strand). Cytogenetic location: 4p16.2.
Variant type: single nucleotide variant.
Coding change: c.3919A>C on transcript NM_147127.5 (MANE Select); coding-DNA position 3919, A replaced by C.
Protein change: p.Met1307Leu; replaces methionine 1307 with leucine.
Molecular consequence: missense variant.
Genome position (GRCh38, 1-based): chr4:5,562,856, T>G on the plus strand (A>C on the coding strand, the complement: EVC2 is on the minus strand). VCF-style: chr4-5562856-T-G. GRCh37 (hg19) VCF-style: chr4-5564583-T-G.
Other names: c.3679A>C, p.Met1227Leu (NM_001166136.2); short protein forms M1307L, M1227L.
Identifiers: ClinVar variation 2056108 (VCV002056108.1), dbSNP rs200844130, ClinGen allele CA2834158.

ClinVar aggregate classification (germline): Uncertain significance (1 of 4 stars; one submission).

Conditions:
Ellis-van Creveld syndrome (EVC). Also called: Chondroectodermal dysplasia; MESOECTODERMAL DYSPLASIA; EVC-Related Ellis-van Creveld Syndrome; EVC2-Related Ellis-van Creveld Syndrome. Identifiers: Orphanet 289, MedGen C0013903, MONDO:0009162, OMIM 225500.
Curry-Hall syndrome (WAD). Also called: WEYERS ACRODENTAL DYSOSTOSIS. Identifiers: Orphanet 952, MedGen C0457013, MONDO:0008673, OMIM 193530.

Submission:

Labcorp Genetics (formerly Invitae), Labcorp
Classification: Uncertain significance for Curry-Hall syndrome; Ellis-van Creveld syndrome. Last evaluated: 2022-06-27. Review status: criteria provided, single submitter. Criteria: Invitae Variant Classification Sherloc (09022015). Collection method: clinical testing. Allele origin: germline.
Comment: This sequence change replaces methionine, which is neutral and non-polar, with leucine, which is neutral and non-polar, at codon 1307 of the EVC2 protein (p.Met1307Leu). This variant is present in population databases (rs200844130, gnomAD 0.004%). This variant has not been reported in the literature in individuals affected with EVC2-related conditions. Algorithms developed to predict the effect of missense changes on protein structure and function output the following: SIFT: "Tolerated"; PolyPhen-2: "Benign"; Align-GVGD: "Class C0". The leucine amino acid residue is found in multiple mammalian species, which suggests that this missense change does not adversely affect protein function. In summary, the available evidence is currently insufficient to determine the role of this variant in disease. Therefore, it has been classified as a Variant of Uncertain Significance.